The following is an entry in ClinVar:

NM_000069.3(CACNA1S):c.1974C>T (p.Ala658=)

Gene: CACNA1S (calcium voltage-gated channel subunit alpha1 S; minus strand). Cytogenetic location: 1q32.1.
Variant type: single nucleotide variant.
Coding change: c.1974C>T on transcript NM_000069.3 (MANE Select); coding-DNA position 1974, C replaced by T.
Protein change: p.Ala658=; no amino-acid change (alanine 658 retained).
Molecular consequence: synonymous variant.
Genome position (GRCh38, 1-based): chr1:201,074,595, G>A on the plus strand (C>T on the coding strand, the complement: CACNA1S is on the minus strand). VCF-style: chr1-201074595-G-A. GRCh37 (hg19) VCF-style: chr1-201043723-G-A.
Identifiers: ClinVar variation 3070324 (VCV003070324.1), dbSNP rs370210457, ClinGen allele CA35975446.

ClinVar aggregate classification (germline): Likely benign (1 of 4 stars; one submission).

Conditions:
Malignant hyperthermia, susceptibility to, 5 (MHS5). Also called: CACNA1S-Related Malignant Hyperthermia Susceptibility. Identifiers: Orphanet 423, MedGen C1866077, MONDO:0011163, OMIM 601887.

Allele frequency attached by ClinVar (database versions not stated): gnomAD exomes below 0.00001; gnomAD 0.00001; TOPMed 0.00001; ESP Exome Variant Server 0.00008.
gnomAD v4.1: 2 of 1,613,342 alleles (0.00012%); highest among the groups gnomAD compares: Non-Finnish European, 0.00017%; no homozygotes.

Submission:

All of Us Research Program, National Institutes of Health
Classification: Likely benign for Malignant hyperthermia, susceptibility to, 5. Last evaluated: 2023-05-04. Review status: criteria provided, single submitter. Criteria: ACMG Guidelines, 2015. Collection method: clinical testing. Allele origin: germline. Inheritance: Autosomal dominant inheritance. Observed: 3 variant alleles, 3 heterozygotes.
Comment: This study involves interpretation of variants in research participants for the purpose of population health screening. Participant phenotype was not available at the time of variant classification. Additional details can be found in publication PMID: 35346344, PMCID: PMC8962531